The following is an entry in ClinVar:

NM_001160148.2(DDHD1):c.187C>A (p.Pro63Thr)

Gene: DDHD1 (DDHD domain containing 1; minus strand). Cytogenetic location: 14q22.1.
Variant type: single nucleotide variant.
Coding change: c.187C>A on transcript NM_001160148.2 (MANE Select); coding-DNA position 187, C replaced by A.
Protein change: p.Pro63Thr; replaces proline 63 with threonine.
Molecular consequence: missense variant.
Genome position (GRCh38, 1-based): chr14:53,152,912, G>T on the plus strand (C>A on the coding strand, the complement: DDHD1 is on the minus strand). VCF-style: chr14-53152912-G-T. GRCh37 (hg19) VCF-style: chr14-53619630-G-T.
Other names: c.187C>A, p.Pro63Thr (NM_030637.3, NM_001160147.2); short protein forms P63T.
Identifiers: ClinVar variation 1904533 (VCV001904533.5), dbSNP rs751194687, ClinGen allele CA7191569.

ClinVar aggregate classification (germline): Uncertain significance (1 of 4 stars; one submission).

Conditions:
Hereditary spastic paraplegia 28. Also called: Spastic paraplegia 28, autosomal recessive. Identifiers: Orphanet 101008, MedGen C1836295, MONDO:0012256, OMIM 609340.

Allele frequency attached by ClinVar (database versions not stated): ExAC 0.00001.
gnomAD v4.1: 4 of 1,608,062 alleles (0.00025%); highest among the groups gnomAD compares: South Asian, 0.0011%; no homozygotes.

Submission:

Labcorp Genetics (formerly Invitae), Labcorp
Classification: Uncertain significance for Hereditary spastic paraplegia 28. Last evaluated: 2023-12-07. Review status: criteria provided, single submitter. Criteria: Invitae Variant Classification Sherloc (09022015). Collection method: clinical testing. Allele origin: germline.
Comment: This sequence change replaces proline, which is neutral and non-polar, with threonine, which is neutral and polar, at codon 63 of the DDHD1 protein (p.Pro63Thr). This variant is present in population databases (rs751194687, gnomAD 0.003%). This variant has not been reported in the literature in individuals affected with DDHD1-related conditions. ClinVar contains an entry for this variant (Variation ID: 1904533). An algorithm developed to predict the effect of missense changes on protein structure and function (PolyPhen-2) suggests that this variant is likely to be disruptive. In summary, the available evidence is currently insufficient to determine the role of this variant in disease. Therefore, it has been classified as a Variant of Uncertain Significance.